The following is an entry in ClinVar:

ClinVar aggregate classification (germline): Pathogenic. Review status: criteria provided, multiple submitters, no conflicts (2 of 4 stars). 3 submissions from 3 submitters: Pathogenic (3). Last evaluated 2024-05-08.

Conditions:
Autosomal recessive limb-girdle muscular dystrophy. Identifiers: Orphanet 102015, MedGen C2931907, MONDO:0015152.
Neuromuscular disease caused by qualitative or quantitative defects of dysferlin. Also called: Dysferlinopathy; Qualitative or quantitative defects of dysferlin. Identifiers: Orphanet 207073, MedGen C2931687, MONDO:0016145.

Submissions (3):

Myriad Genetics, Inc.
Classification: Pathogenic for Autosomal recessive limb-girdle muscular dystrophy. Last evaluated: 2024-05-08. Review status: criteria provided, single submitter. Criteria: Myriad Autosomal Dominant, Autosomal Recessive and X-Linked Classification Criteria (2023). Collection method: clinical testing. Allele origin: unknown.
Comment: NM_003494.3(DYSF):c.997_998delGC(A333Qfs*26) is expected to be pathogenic in the context of dysferlinopathy. This variant is predicted to lead to an abnormal or absent protein product due to the creation of a premature termination codon in DYSF, a gene where loss-of-function variants are known to be pathogenic. Please note: this variant was assessed in the context of healthy population screening.

Labcorp Genetics (formerly Invitae), Labcorp
Classification: Pathogenic for Neuromuscular disease caused by qualitative or quantitative defects of dysferlin. Last evaluated: 2023-07-16. Review status: criteria provided, single submitter. Criteria: Invitae Variant Classification Sherloc (09022015). Collection method: clinical testing. Allele origin: germline.
Comment: For these reasons, this variant has been classified as Pathogenic. ClinVar contains an entry for this variant (Variation ID: 500700). This variant has not been reported in the literature in individuals affected with DYSF-related conditions. This variant is not present in population databases (gnomAD no frequency). This sequence change creates a premature translational stop signal (p.Ala333Glnfs*26) in the DYSF gene. It is expected to result in an absent or disrupted protein product. Loss-of-function variants in DYSF are known to be pathogenic (PMID: 17698709, 20301480).

Eurofins Ntd Llc (ga)
Classification: Pathogenic. Last evaluated: 2017-03-05. Review status: criteria provided, single submitter. Criteria: EGL Classification Definitions 2015. Collection method: clinical testing. Allele origin: germline. Observed: 1 variant allele, 1 heterozygote.

Literature cited by the submitters: PubMed 17698709 (cited by Labcorp Genetics (formerly Invitae), Labcorp); PubMed 20301480 (cited by Labcorp Genetics (formerly Invitae), Labcorp).

NM_001130987.2(DYSF):c.1093_1094del (p.Ala365fs)

Gene: DYSF (dysferlin; plus strand). Cytogenetic location: 2p13.2.
Variant type: Deletion.
Coding change: c.1093_1094del on transcript NM_001130987.2 (MANE Select); coding-DNA positions 1093 to 1094, 2 bases deleted (GC; older notation c.1093_1094delGC).
Protein change: p.Ala365fs; shifts the reading frame from alanine 365.
Molecular consequence: frameshift variant.
Genome position (GRCh38, 1-based): chr2:71,520,848-71,520,849, GC deleted. VCF-style (leftmost placement, unchanged base first): chr2-71520847-GGC-G. GRCh37 (hg19) VCF-style: chr2-71747977-GGC-G.
Other names: c.997_998del, p.Ala333fs (NM_003494.4, NM_001130976.2, NM_001130977.2 and 1 more transcripts); c.1000_1001del, p.Ala334fs (NM_001130455.2, NM_001130983.2, NM_001130984.2 and 1 more transcripts); c.1090_1091del, p.Ala364fs (NM_001130979.2, NM_001130980.2, NM_001130981.2); c.1093_1094del, p.Ala365fs (NM_001130982.2, NM_001130985.2); short protein forms A334fs, A333fs, A364fs, A365fs.
Identifiers: ClinVar variation 500700 (VCV000500700.9), dbSNP rs1553525756, ClinGen allele CA658795808.